The following is an entry in ClinVar:

ClinVar aggregate classification (germline): Uncertain significance (1 of 4 stars; one submission).

Submission:

GeneDx
Classification: Uncertain significance. Last evaluated: 2025-04-07. Review status: criteria provided, single submitter. Criteria: GeneDx Variant Classification Process June 2021. Collection method: clinical testing. Allele origin: germline.
Comment: Not observed at significant frequency in large population cohorts (gnomAD); In silico analysis supports that this missense variant has a deleterious effect on protein structure/function; Has not been previously published as pathogenic or benign to our knowledge

NM_001037333.3(CYFIP2):c.928G>A (p.Asp310Asn)

Gene: CYFIP2 (cytoplasmic FMR1 interacting protein 2; plus strand). Cytogenetic location: 5q33.3.
Variant type: single nucleotide variant.
Coding change: c.928G>A on transcript NM_001037333.3 (MANE Select); coding-DNA position 928, G replaced by A.
Protein change: p.Asp310Asn; replaces aspartic acid 310 with asparagine.
Molecular consequence: missense variant.
Genome position (GRCh38, 1-based): chr5:157,309,770, G>A. VCF-style: chr5-157309770-G-A. GRCh37 (hg19) VCF-style: chr5-156736778-G-A.
Other names: c.850G>A, p.Asp284Asn (NM_001291721.2); c.928G>A, p.Asp310Asn (NM_001291722.2, NM_014376.4); short protein forms D284N, D310N.
Identifiers: ClinVar variation 3572664 (VCV003572664.2).